The following is an entry in ClinVar:

ClinVar aggregate classification (germline): Pathogenic (1 of 4 stars; one submission).

Conditions:
Ehlers-Danlos syndrome, type 4 (EDSVASC). Also called: Ehlers-Danlos syndrome vascular type; Ehlers Danlos syndrome, ecchymotic type; Ehlers Danlos syndrome, arterial type; Ehlers Danlos syndrome, Sack-Barabas type; Ehlers-Danlos Syndrome Type IV. Identifiers: Orphanet 286, MedGen C0268338, MONDO:0017314, OMIM 130050.

Submission:

Labcorp Genetics (formerly Invitae), Labcorp
Classification: Pathogenic for Ehlers-Danlos syndrome, type 4. Last evaluated: 2024-12-29. Review status: criteria provided, single submitter. Criteria: Invitae Variant Classification Sherloc (09022015). Collection method: clinical testing. Allele origin: germline.
Comment: This sequence change creates a premature translational stop signal (p.Gly276Valfs*8) in the COL3A1 gene. It is expected to result in an absent or disrupted protein product. Loss-of-function variants in COL3A1 are known to be pathogenic (PMID: 24922459). This variant is not present in population databases (gnomAD no frequency). This variant has not been reported in the literature in individuals affected with COL3A1-related conditions. For these reasons, this variant has been classified as Pathogenic.

Literature cited by the submitters: PubMed 24922459.

NM_000090.4(COL3A1):c.827del (p.Gly276fs)

Gene: COL3A1 (collagen type III alpha 1 chain; plus strand). Cytogenetic location: 2q32.2.
Variant type: Deletion.
Coding change: c.827del on transcript NM_000090.4 (MANE Select); coding-DNA position 827, one base deleted (G; older notation c.827delG).
Protein change: p.Gly276fs; shifts the reading frame from glycine 276.
Molecular consequence: frameshift variant.
Genome position (GRCh38, 1-based): chr2:188,991,032, G deleted; the last of 3 consecutive G bases (chr2:188,991,030-188,991,032); deleting any one gives the same sequence. VCF-style (leftmost placement, unchanged base first): chr2-188991029-AG-A. GRCh37 (hg19) VCF-style: chr2-189855755-AG-A.
Other names: short protein forms G276fs.
Identifiers: ClinVar variation 3724117 (VCV003724117.2).